The following is an entry in ClinVar:

NM_005629.4(SLC6A8):c.1659C>A (p.Tyr553Ter)

Gene: SLC6A8 (solute carrier family 6 member 8; plus strand). Cytogenetic location: Xq28.
Variant type: single nucleotide variant.
Coding change: c.1659C>A on transcript NM_005629.4 (MANE Select); coding-DNA position 1659, C replaced by A.
Protein change: p.Tyr553Ter; replaces tyrosine 553 with a stop codon.
Molecular consequence: nonsense.
Genome position (GRCh38, 1-based): chrX:153,694,781, C>A. VCF-style: chrX-153694781-C-A. GRCh37 (hg19) VCF-style: chrX-152960236-C-A.
Other names: c.1629C>A, p.Tyr543Ter (NM_001142805.2); c.1314C>A, p.Tyr438Ter (NM_001142806.1); short protein forms Y438*, Y543*, Y553*.
Identifiers: ClinVar variation 2664968 (VCV002664968.2), dbSNP rs1569539466, ClinGen allele CA415090774.

ClinVar aggregate classification (germline): Pathogenic (1 of 4 stars; one submission).

Conditions:
Creatine transporter deficiency (CCDS1). Also called: CEREBRAL CREATINE DEFICIENCY SYNDROME 1; Mental retardation , X-linked with seizures, short stature and midface hypoplasia; Mental retardation , X-linked, with creatine transport deficiency; X-linked creatine transporter deficiency; X-linked creatine deficiency syndrome; SLC6A8-Related Creatine Transporter Deficiency. Identifiers: Orphanet 52503, MedGen C1845862, MONDO:0010305, OMIM 300352.

Submission:

Institute of Human Genetics, University of Leipzig Medical Center
Classification: Pathogenic for Creatine transporter deficiency. Last evaluated: 2023-11-13. Review status: criteria provided, single submitter. Criteria: ACMG Guidelines, 2015. Collection method: clinical testing. Allele origin: maternal. Inheritance: X-linked recessive inheritance. Affected: yes.
Comment: Criteria applied: PVS1,PS4_SUP,PM2_SUP